The following is an entry in ClinVar:

ClinVar aggregate classification (germline): Pathogenic (1 of 4 stars; one submission).

Conditions:
Autosomal recessive limb-girdle muscular dystrophy. Identifiers: Orphanet 102015, MedGen C2931907, MONDO:0015152.

Submission:

Myriad Genetics, Inc.
Classification: Pathogenic for Autosomal recessive limb-girdle muscular dystrophy. Last evaluated: 2025-08-09. Review status: criteria provided, single submitter. Criteria: Myriad Autosomal Dominant, Autosomal Recessive and X-Linked Classification Criteria (2023). Collection method: clinical testing. Allele origin: unknown.
Comment: NM_003494.3(DYSF):c.2610dupT(A871Cfs*2) is expected to be pathogenic in the context of dysferlinopathy. This variant is predicted to lead to an abnormal or absent protein product due to the creation of a premature termination codon in DYSF, a gene where loss-of-function variants are known to be pathogenic. Please note: this variant was assessed in the context of healthy population screening.

NM_001130987.2(DYSF):c.2664dup (p.Ala889fs)

Gene: DYSF (dysferlin; plus strand). Cytogenetic location: 2p13.2.
Variant type: Duplication.
Coding change: c.2664dup on transcript NM_001130987.2 (MANE Select); coding-DNA position 2664, one base duplicated (T; older notation c.2664dupT).
Protein change: p.Ala889fs; shifts the reading frame from alanine 889.
Molecular consequence: frameshift variant.
Genome position (GRCh38, 1-based): chr2:71,568,049, T duplicated; the last of 3 consecutive T bases (chr2:71,568,047-71,568,049); duplicating any one gives the same sequence. VCF-style (leftmost placement, unchanged base first): chr2-71568046-G-GT. GRCh37 (hg19) VCF-style: chr2-71795176-G-GT.
Other names: c.2613dup, p.Ala872fs (NM_001130455.2, NM_001130983.2); c.2568dup, p.Ala857fs (NM_001130976.2, NM_001130977.2); c.2610dup, p.Ala871fs (NM_001130978.2, NM_003494.4); c.2703dup, p.Ala902fs (NM_001130979.2); c.2661dup, p.Ala888fs (NM_001130980.2, NM_001130981.2); c.2706dup, p.Ala903fs (NM_001130982.2); c.2571dup, p.Ala858fs (NM_001130984.2, NM_001130986.2); c.2664dup, p.Ala889fs (NM_001130985.2); short protein forms A857fs, A858fs, A871fs, A872fs, A888fs, A889fs, A902fs, A903fs.
Identifiers: ClinVar variation 5014846 (VCV005014846.1).